The following is an entry in ClinVar:

ClinVar aggregate classification (germline): Uncertain significance (1 of 4 stars; one submission).

Allele frequency attached by ClinVar (database versions not stated): gnomAD exomes below 0.00001; TOPMed below 0.00001.
gnomAD v4.1: 1 of 1,612,780 alleles (0.000062%); highest among the groups gnomAD compares: Non-Finnish European, 0.000085%; no homozygotes.

Submission:

CeGaT Center for Human Genetics Tuebingen
Classification: Uncertain significance. Last evaluated: 2023-04-01. Review status: criteria provided, single submitter. Criteria: CeGaT Center For Human Genetics Tuebingen Variant Classification Criteria Version 2. Collection method: clinical testing. Allele origin: germline. Affected: yes. Observed: 1 variant allele.
Comment: CHD3: PM2, PP2

NM_001005273.3(CHD3):c.5059G>A (p.Gly1687Arg)

Gene: CHD3 (chromodomain helicase DNA binding protein 3; plus strand). Cytogenetic location: 17p13.1.
Variant type: single nucleotide variant.
Coding change: c.5059G>A on transcript NM_001005273.3 (MANE Select); coding-DNA position 5059, G replaced by A.
Protein change: p.Gly1687Arg; replaces glycine 1687 with arginine.
Molecular consequence: missense variant.
Genome position (GRCh38, 1-based): chr17:7,907,926, G>A. VCF-style: chr17-7907926-G-A. GRCh37 (hg19) VCF-style: chr17-7811244-G-A.
Other names: c.5236G>A, p.Gly1746Arg (NM_001005271.3); c.4957G>A, p.Gly1653Arg (NM_005852.4); short protein forms G1653R, G1687R, G1746R.
Identifiers: ClinVar variation 2647433 (VCV002647433.24), dbSNP rs1340040540, ClinGen allele CA397948282.